The following is an entry in ClinVar:

NM_005267.5(GJA8):c.353C>T (p.Ala118Val)

Gene: GJA8 (gap junction protein alpha 8; plus strand). Cytogenetic location: 1q21.2.
Variant type: single nucleotide variant.
Coding change: c.353C>T on transcript NM_005267.5 (MANE Select); coding-DNA position 353, C replaced by T.
Protein change: p.Ala118Val; replaces alanine 118 with valine.
Molecular consequence: missense variant.
Genome position (GRCh38, 1-based): chr1:147,908,308, C>T. VCF-style: chr1-147908308-C-T. GRCh37 (hg19) VCF-style: chr1-147380435-C-T.
Other names: short protein forms A118V.
Identifiers: ClinVar variation 1490038 (VCV001490038.7), dbSNP rs782306193, ClinGen allele CA1065923.

ClinVar aggregate classification (germline): Uncertain significance. Review status: criteria provided, multiple submitters, no conflicts (2 of 4 stars). 2 submissions from 2 submitters: Uncertain significance (2). Last evaluated 2024-10-30.

Conditions:
Cataract 1 multiple types. Also called: CATARACT, DUFFY-LINKED; CATARACT 1, NUCLEAR PROGRESSIVE; CATARACT 1 WITH MICROCORNEA; CATARACT 1, POSTERIOR SUBCAPSULAR, WITH MICROCORNEA; CATARACT 1, STELLATE NUCLEAR, WITH MICROCORNEA; CATARACT 1, MULTIPLE TYPES, WITH OR WITHOUT MICROCORNEA. Identifiers: Orphanet 1377, MedGen C1861828, MONDO:0007285, OMIM 116200.

Allele frequency attached by ClinVar (database versions not stated): gnomAD 0.00003 and 0.00004; TOPMed 0.00003.
gnomAD v4.1: 78 of 1,614,018 alleles (0.0048%); highest among the groups gnomAD compares: South Asian, 0.0066%; no homozygotes.

Submissions (2):

Labcorp Genetics (formerly Invitae), Labcorp
Classification: Uncertain significance for Cataract 1 multiple types. Last evaluated: 2024-10-30. Review status: criteria provided, single submitter. Criteria: Invitae Variant Classification Sherloc (09022015). Collection method: clinical testing. Allele origin: germline.
Comment: This sequence change replaces alanine, which is neutral and non-polar, with valine, which is neutral and non-polar, at codon 118 of the GJA8 protein (p.Ala118Val). This variant is present in population databases (rs782306193, gnomAD 0.008%). This variant has not been reported in the literature in individuals affected with GJA8-related conditions. ClinVar contains an entry for this variant (Variation ID: 1490038). Invitae Evidence Modeling of protein sequence and biophysical properties (such as structural, functional, and spatial information, amino acid conservation, physicochemical variation, residue mobility, and thermodynamic stability) indicates that this missense variant is not expected to disrupt GJA8 protein function with a negative predictive value of 95%. In summary, the available evidence is currently insufficient to determine the role of this variant in disease. Therefore, it has been classified as a Variant of Uncertain Significance.

Blueprint Genetics
Classification: Uncertain significance. Last evaluated: 2024-08-09. Review status: criteria provided, single submitter. Criteria: ACMG Guidelines, 2015. Collection method: clinical testing. Allele origin: germline.